The following is an entry in ClinVar:

NM_003242.6(TGFBR2):c.1152T>G (p.Asn384Lys)

Gene: TGFBR2 (transforming growth factor beta receptor 2; plus strand). Cytogenetic location: 3p24.1.
Variant type: single nucleotide variant.
Coding change: c.1152T>G on transcript NM_003242.6 (MANE Select); coding-DNA position 1152, T replaced by G.
Protein change: p.Asn384Lys; replaces asparagine 384 with lysine.
Molecular consequence: missense variant.
Genome position (GRCh38, 1-based): chr3:30,672,335, T>G. VCF-style: chr3-30672335-T-G. GRCh37 (hg19) VCF-style: chr3-30713827-T-G.
Other names: c.1227T>G, p.Asn409Lys (NM_001024847.3); c.1335T>G, p.Asn445Lys (NM_001407126.1); c.1260T>G, p.Asn420Lys (NM_001407127.1); c.1179T>G, p.Asn393Lys (NM_001407128.1); c.1155T>G, p.Asn385Lys (NM_001407129.1); c.1152T>G, p.Asn384Lys (NM_001407130.1); c.1047T>G, p.Asn349Lys (NM_001407132.1, NM_001407133.1, NM_001407134.1 and 2 more transcripts); c.867T>G, p.Asn289Lys (NM_001407137.1); and 1 more; short protein forms N409K, N384K, N349K, N289K, N385K, N393K, N445K, N264K.
Identifiers: ClinVar variation 1514292 (VCV001514292.9), dbSNP rs193922661, ClinGen allele CA351808650.

ClinVar aggregate classification (germline): Pathogenic (1 of 4 stars; one submission).

Conditions:
Familial thoracic aortic aneurysm and aortic dissection (TAAD). Also called: Thoracic aortic aneurysms and dissections. Identifiers: Orphanet 91387, MedGen C4707243, MONDO:0019625.

Submission:

Labcorp Genetics (formerly Invitae), Labcorp
Classification: Pathogenic for Familial thoracic aortic aneurysm and aortic dissection. Last evaluated: 2023-12-07. Review status: criteria provided, single submitter. Criteria: Invitae Variant Classification Sherloc (09022015). Collection method: clinical testing. Allele origin: germline.
Comment: This sequence change replaces asparagine, which is neutral and polar, with lysine, which is basic and polar, at codon 384 of the TGFBR2 protein (p.Asn384Lys). This variant is not present in population databases (gnomAD no frequency). This missense change has been observed in individual(s) with clinical features of TGFBR2-related conditions (PMID: 25116393; Invitae). In at least one individual the variant was observed to be de novo. ClinVar contains an entry for this variant (Variation ID: 1514292). Advanced modeling of protein sequence and biophysical properties (such as structural, functional, and spatial information, amino acid conservation, physicochemical variation, residue mobility, and thermodynamic stability) performed at Invitae indicates that this missense variant is expected to disrupt TGFBR2 protein function with a positive predictive value of 95%. This variant disrupts the p.Asn384 amino acid residue in TGFBR2. Other variant(s) that disrupt this residue have been determined to be pathogenic (PMID: 16799921, 16928994; Invitae). This suggests that this residue is clinically significant, and that variants that disrupt this residue are likely to be disease-causing. For these reasons, this variant has been classified as Pathogenic.

Literature cited by the submitters: PubMed 25116393; PubMed 16799921; PubMed 16928994.